The following is an entry in ClinVar:

NM_001079802.2(FKTN):c.898G>A (p.Gly300Arg)

Gene: FKTN (fukutin; plus strand). Cytogenetic location: 9q31.2.
Variant type: single nucleotide variant.
Coding change: c.898G>A on transcript NM_001079802.2 (MANE Select); coding-DNA position 898, G replaced by A.
Protein change: p.Gly300Arg; replaces glycine 300 with arginine.
Molecular consequence: missense variant. On other transcripts: non-coding transcript variant (1).
Genome position (GRCh38, 1-based): chr9:105,615,395, G>A. VCF-style: chr9-105615395-G-A. GRCh37 (hg19) VCF-style: chr9-108377676-G-A.
Other names: c.898G>A, p.Gly300Arg (NM_001198963.2, NM_001351496.2, NM_001351498.2 and 1 more transcripts); c.829G>A, p.Gly277Arg (NM_001351497.2); c.502G>A, p.Gly168Arg (NM_001351499.2, NM_001351500.2, NM_001351501.2 and 1 more transcripts); short protein forms G300R, G168R, G277R.
Identifiers: ClinVar variation 1917877 (VCV001917877.5), dbSNP rs909129168, ClinGen allele CA197448026.
Genomic context (GRCh38, chr9:105,615,395, plus strand): 5'-TTACTGCAACTAGCAGCGAAAACATTAAACAAATTGGGAGTACCATTCTGGCTGAGCAGT[G>A]GAACTTGTCTAGGTAAAATTCTTACGACTTTCCATTTGTCTTTCTGTCATTTTGTCCTCT-3'
Protein context (NP_001073270.1, residues 290-310): KLGVPFWLSS[Gly300Arg]TCLGWYRQCN

ClinVar aggregate classification (germline): Uncertain significance (1 of 4 stars; one submission).

Conditions:
Walker-Warburg congenital muscular dystrophy. Also called: Muscular dystrophy-dystroglycanopathy, type A; Walker-Warburg syndrome. Identifiers: Orphanet 899, MedGen C0265221, MONDO:0000171.

Allele frequency attached by ClinVar (database versions not stated): TOPMed 0.00001.

Submission:

Labcorp Genetics (formerly Invitae), Labcorp
Classification: Uncertain significance for Walker-Warburg congenital muscular dystrophy. Last evaluated: 2022-05-12. Review status: criteria provided, single submitter. Criteria: Invitae Variant Classification Sherloc (09022015). Collection method: clinical testing. Allele origin: germline.
Comment: In summary, the available evidence is currently insufficient to determine the role of this variant in disease. Therefore, it has been classified as a Variant of Uncertain Significance. Algorithms developed to predict the effect of sequence changes on RNA splicing suggest that this variant may disrupt the consensus splice site. Algorithms developed to predict the effect of missense changes on protein structure and function (SIFT, PolyPhen-2, Align-GVGD) all suggest that this variant is likely to be disruptive. This missense change has been observed in individual(s) with muscular dystrophy-dystroglycanopathy (PMID: 31756055). This variant is not present in population databases (gnomAD no frequency). This sequence change replaces glycine, which is neutral and non-polar, with arginine, which is basic and polar, at codon 300 of the FKTN protein (p.Gly300Arg).

Literature cited by the submitters: PubMed 31756055.